The following is an entry in ClinVar:

NM_020632.3(ATP6V0A4):c.1812T>C (p.His604=)

Gene: ATP6V0A4 (ATPase H+ transporting V0 subunit a4; minus strand). Cytogenetic location: 7q34.
Variant type: single nucleotide variant.
Coding change: c.1812T>C on transcript NM_020632.3 (MANE Select); coding-DNA position 1812, T replaced by C.
Protein change: p.His604=; no amino-acid change (histidine 604 retained).
Molecular consequence: synonymous variant.
Genome position (GRCh38, 1-based): chr7:138,732,973, A>G on the plus strand (T>C on the coding strand, the complement: ATP6V0A4 is on the minus strand). VCF-style: chr7-138732973-A-G. GRCh37 (hg19) VCF-style: chr7-138417718-A-G.
Other names: p.His604=; c.1812T>C, p.His604= (NM_130840.3, NM_130841.3).
Identifiers: ClinVar variation 261343 (VCV000261343.26), dbSNP rs3807154, ClinGen allele CA4504648.

ClinVar aggregate classification (germline): Benign. Review status: criteria provided, multiple submitters, no conflicts (2 of 4 stars). 10 submissions from 10 submitters: Benign (8). 2 of the submissions do not count toward it. Last evaluated 2026-02-04.

Conditions:
Autosomal recessive distal renal tubular acidosis. Identifiers: Orphanet 402041, MedGen C1864498, MONDO:0018440.

Allele frequency attached by ClinVar (database versions not stated): ESP Exome Variant Server 0.63309; gnomAD 0.65254 and 0.65944; TOPMed 0.65328; 1000 Genomes Project 30x 0.67192; 1000 Genomes Project 0.67752; gnomAD exomes 0.71563 and 0.72870; ExAC 0.71972.
gnomAD v4.1: 1,145,677 of 1,613,270 alleles (71%); highest among the groups gnomAD compares: Admixed American, 81%; 410,382 homozygotes.

Submissions (10):

Labcorp Genetics (formerly Invitae), Labcorp
Classification: Benign. Last evaluated: 2026-02-04. Review status: criteria provided, single submitter. Criteria: Invitae Variant Classification Sherloc (09022015). Collection method: clinical testing. Allele origin: germline.

Blueprint Genetics
Classification: Benign. Last evaluated: 2024-11-27. Review status: criteria provided, single submitter. Criteria: ACMG Guidelines, 2015. Collection method: clinical testing. Allele origin: germline.

Mayo Clinic Laboratories, Mayo Clinic
Classification: Benign. Last evaluated: 2022-03-09. Review status: criteria provided, single submitter. Criteria: ACMG Guidelines, 2015. Collection method: clinical testing. Allele origin: germline. Observed: 159 variant alleles.

Genome-Nilou Lab
Classification: Benign for Renal tubular acidosis, distal, 3, with or without sensorineural hearing loss. Last evaluated: 2021-07-14. Review status: criteria provided, single submitter. Criteria: ACMG Guidelines, 2015. Collection method: clinical testing. Allele origin: germline. Affected: no.

GeneDx
Classification: Benign. Last evaluated: 2018-11-10. Review status: criteria provided, single submitter. Criteria: GeneDx Variant Classification Process June 2021. Collection method: clinical testing. Allele origin: germline. Affected: yes.

Illumina Laboratory Services, Illumina
Classification: Benign for Renal tubular acidosis, distal, 3, with or without sensorineural hearing loss. Last evaluated: 2018-01-12. Review status: criteria provided, single submitter. Criteria: ICSL Variant Classification Criteria 13 December 2019. Collection method: clinical testing. Allele origin: germline.
Comment: This variant was observed in the ICSL laboratory as part of a predisposition screen in an ostensibly healthy population. It had not been previously curated by ICSL or reported in the Human Gene Mutation Database (HGMD: prior to June 1st, 2018), and was therefore a candidate for classification through an automated scoring system. Utilizing variant allele frequency, disease prevalence and penetrance estimates, and inheritance mode, an automated score was calculated to assess if this variant is too frequent to cause the disease. Based on the score and internal cut-off values, a variant classified as benign is not then subjected to further curation. The score for this variant resulted in a classification of benign for this disease.

Breakthrough Genomics
Classification: Benign. Review status: criteria provided, single submitter. Criteria: ACMG Guidelines, 2015. Collection method: not provided. Allele origin: germline. Inheritance: Autosomal recessive inheritance. Affected: yes.

PreventionGenetics, part of Exact Sciences
Classification: Benign. Review status: criteria provided, single submitter. Criteria: ACMG Guidelines, 2015. Collection method: clinical testing. Allele origin: germline.

Diagnostic Laboratory, Department of Genetics, University Medical Center Groningen
Classification: Benign. Review status: no assertion criteria provided. Collection method: clinical testing. Allele origin: germline. Affected: yes. Study: VKGL Data-share Consensus. Not counted in ClinVar's aggregate classification.

Joint Genome Diagnostic Labs from Nijmegen and Maastricht, Radboudumc and MUMC+
Classification: Benign. Review status: no assertion criteria provided. Collection method: clinical testing. Allele origin: germline. Affected: yes. Study: VKGL Data-share Consensus. Not counted in ClinVar's aggregate classification.